The following is an entry in ClinVar:

ClinVar aggregate classification (germline): Uncertain significance (1 of 4 stars; one submission).

Submission:

GeneDx
Classification: Uncertain significance. Last evaluated: 2024-04-01. Review status: criteria provided, single submitter. Criteria: GeneDx Variant Classification Process June 2021. Collection method: clinical testing. Allele origin: germline. Affected: yes.
Comment: Not observed at significant frequency in large population cohorts (gnomAD); In silico analysis supports that this missense variant has a deleterious effect on protein structure/function; Has not been previously published as pathogenic or benign to our knowledge

NM_001170535.3(ATAD3A):c.1074G>T (p.Lys358Asn)

Gene: ATAD3A (ATPase family AAA domain containing 3A; plus strand). Cytogenetic location: 1p36.33.
Variant type: single nucleotide variant.
Coding change: c.1074G>T on transcript NM_001170535.3 (MANE Select); coding-DNA position 1074, G replaced by T.
Protein change: p.Lys358Asn; replaces lysine 358 with asparagine.
Molecular consequence: missense variant.
Genome position (GRCh38, 1-based): chr1:1,523,949, G>T. VCF-style: chr1-1523949-G-T. GRCh37 (hg19) VCF-style: chr1-1459329-G-T.
Other names: c.837G>T, p.Lys279Asn (NM_001170536.3); c.1218G>T, p.Lys406Asn (NM_018188.5); short protein forms K279N, K358N, K406N.
Identifiers: ClinVar variation 3371334 (VCV003371334.1).